The following is an entry in ClinVar:

NM_018995.3(MOV10L1):c.2711C>T (p.Ser904Leu)

Gene: MOV10L1 (Mov10 like RNA helicase 1; plus strand). Cytogenetic location: 22q13.33.
Variant type: single nucleotide variant.
Coding change: c.2711C>T on transcript NM_018995.3 (MANE Select); coding-DNA position 2711, C replaced by T.
Protein change: p.Ser904Leu; replaces serine 904 with leucine.
Molecular consequence: missense variant.
Genome position (GRCh38, 1-based): chr22:50,149,698, C>T. VCF-style: chr22-50149698-C-T. GRCh37 (hg19) VCF-style: chr22-50588127-C-T.
Other names: c.2711C>T, p.Ser904Leu (NM_001164104.2); c.2651C>T, p.Ser884Leu (NM_001164105.2); c.92C>T, p.Ser31Leu (NM_001164106.1); short protein forms S31L, S884L, S904L.
Identifiers: ClinVar variation 4860257 (VCV004860257.1).

ClinVar aggregate classification (germline): Uncertain significance (1 of 4 stars; one submission).

gnomAD v4.1: 7 of 1,613,680 alleles (0.00043%); highest among the groups gnomAD compares: South Asian, 0.0022%; no homozygotes.

Submission:

Ambry Genetics
Classification: Uncertain significance. Last evaluated: 2026-03-26. Review status: criteria provided, single submitter. Criteria: Ambry Variant Classification Scheme 2023. Collection method: clinical testing. Allele origin: germline.
Comment: The c.2711C>T (p.S904L) alteration is located in exon 20 (coding exon 20) of the MOV10L1 gene. This alteration results from a C to T substitution at nucleotide position 2711, causing the serine (S) at amino acid position 904 to be replaced by a leucine (L). Based on data from gnomAD, the T allele has an overall frequency of <0.001% (1/250118) total alleles studied. The highest observed frequency was 0.001% (1/113026) of European (non-Finnish) alleles. Based on insufficient or conflicting evidence, the clinical significance of this alteration remains unclear.